The following is an entry in ClinVar:

ClinVar aggregate classification (germline): Uncertain significance (1 of 4 stars; one submission).

Conditions:
Epidermolysis bullosa simplex 5B, with muscular dystrophy (EBS5B). Also called: Epidermolysis bullosa simplex with muscular dystrophy; EPIDERMOLYSIS BULLOSA SIMPLEX AND LIMB-GIRDLE MUSCULAR DYSTROPHY. Identifiers: Orphanet 257, MedGen C2931072, MONDO:0009181, OMIM 226670.
Epidermolysis bullosa simplex 5C, with pyloric atresia (EBS5C). Also called: PLEC1-Related Epidermolysis Bullosa with Pyloric Atresia; PLEC-Related Epidermolysis Bullosa with Pyloric Atresia; Epidermolysis bullosa simplex with pyloric atresia. Identifiers: Orphanet 158684, MedGen C2677349, MONDO:0012807, OMIM 612138.
Autosomal recessive limb-girdle muscular dystrophy type 2Q (LGMDR17). Also called: MUSCULAR DYSTROPHY, LIMB-GIRDLE, AUTOSOMAL RECESSIVE 17. Identifiers: Orphanet 254361, MedGen C3150989, MONDO:0013390, OMIM 613723.
Epidermolysis bullosa simplex, Ogna type (EBS5A). Also called: Pidermolysis bullosa simplex 5A, Ogna type; EPIDERMOLYSIS BULLOSA SIMPLEX 5A, OGNA TYPE. Identifiers: Orphanet 79401, MedGen C0432317, MONDO:0007555, OMIM 131950.
Epidermolysis bullosa simplex with nail dystrophy (EBS5D). Identifiers: MedGen C4225309, MONDO:0014661, OMIM 616487.

Submission:

Labcorp Genetics (formerly Invitae), Labcorp
Classification: Uncertain significance for Autosomal recessive limb-girdle muscular dystrophy type 2Q; Epidermolysis bullosa simplex, Ogna type; Epidermolysis bullosa simplex with nail dystrophy; Epidermolysis bullosa simplex 5C, with pyloric atresia; Epidermolysis bullosa simplex 5B, with muscular dystrophy. Last evaluated: 2024-10-29. Review status: criteria provided, single submitter. Criteria: Invitae Variant Classification Sherloc (09022015). Collection method: clinical testing. Allele origin: germline.
Comment: This sequence change replaces proline, which is neutral and non-polar, with histidine, which is basic and polar, at codon 835 of the PLEC protein (p.Pro835His). The frequency data for this variant in the population databases is considered unreliable, as metrics indicate poor data quality at this position in the gnomAD database. This variant has not been reported in the literature in individuals affected with PLEC-related conditions. ClinVar contains an entry for this variant (Variation ID: 1389873). Invitae Evidence Modeling of protein sequence and biophysical properties (such as structural, functional, and spatial information, amino acid conservation, physicochemical variation, residue mobility, and thermodynamic stability) indicates that this missense variant is not expected to disrupt PLEC protein function with a negative predictive value of 80%. In summary, the available evidence is currently insufficient to determine the role of this variant in disease. Therefore, it has been classified as a Variant of Uncertain Significance.

NM_201384.3(PLEC):c.2423C>A (p.Pro808His)

Gene: PLEC (plectin; minus strand). Cytogenetic location: 8q24.3.
Variant type: single nucleotide variant.
Coding change: c.2423C>A on transcript NM_201384.3 (MANE Select); coding-DNA position 2423, C replaced by A.
Protein change: p.Pro808His; replaces proline 808 with histidine.
Molecular consequence: missense variant.
Genome position (GRCh38, 1-based): chr8:143,930,418, G>T on the plus strand (C>A on the coding strand, the complement: PLEC is on the minus strand). VCF-style: chr8-143930418-G-T. GRCh37 (hg19) VCF-style: chr8-145004586-G-T.
Other names: c.2504C>A, p.Pro835His (NM_000445.5); c.2381C>A, p.Pro794His (NM_201378.4); c.2357C>A, p.Pro786His (NM_201379.3); c.2834C>A, p.Pro945His (NM_201380.4); c.2327C>A, p.Pro776His (NM_201381.3); c.2423C>A, p.Pro808His (NM_201382.4); c.2435C>A, p.Pro812His (NM_201383.3); short protein forms P786H, P812H, P945H, P794H, P776H, P808H, P835H.
Identifiers: ClinVar variation 1389873 (VCV001389873.6), dbSNP rs561310906, ClinGen allele CA4927542.
Genomic context (GRCh38, chr8:143,930,418, plus strand): 5'-CCAGTGGACCCCCGGCCTGCGCTCACCTCCACCTGCTTATAGTCGCACACGGCCAGCAGG[G>T]GCAGGCGGCCCCGCATGGGGTGGGCTGGGTGGCGGGGCTTCAGCTGCACGACGGCCTTGG-3'
Protein context (NP_958786.1, residues 798-818): HPAHPMRGRL[Pro808His]LLAVCDYKQV